The following is an entry in ClinVar:

NM_001349.4(DARS1):c.423+4A>T

Gene: DARS1 (aspartyl-tRNA synthetase 1; minus strand). Cytogenetic location: 2q21.3.
Variant type: single nucleotide variant.
Coding change: c.423+4A>T on transcript NM_001349.4 (MANE Select); 4 bases into the intron after coding-DNA position 423, A replaced by T.
Molecular consequence: intron variant.
Genome position (GRCh38, 1-based): chr2:135,943,374, T>A on the plus strand (A>T on the coding strand, the complement: DARS1 is on the minus strand). VCF-style: chr2-135943374-T-A. GRCh37 (hg19) VCF-style: chr2-136700944-T-A.
Other names: c.123+4A>T (NM_001293312.1).
Identifiers: ClinVar variation 391033 (VCV000391033.1), dbSNP rs541379721, ClinGen allele CA16603738.

ClinVar aggregate classification (germline): Likely benign (1 of 4 stars; one submission).

Allele frequency attached by ClinVar (database versions not stated): TOPMed 0.00001.
gnomAD v4.1: 2 of 1,605,900 alleles (0.00012%); highest among the groups gnomAD compares: Non-Finnish European, 0.00017%; no homozygotes.

Submission:

GeneDx
Classification: Likely benign. Last evaluated: 2016-11-21. Review status: criteria provided, single submitter. Criteria: GeneDx Variant Classification (06012015). Collection method: clinical testing. Allele origin: germline. Affected: yes.
Comment: This variant is considered likely benign or benign based on one or more of the following criteria: it is a conservative change, it occurs at a poorly conserved position in the protein, it is predicted to be benign by multiple in silico algorithms, and/or has population frequency not consistent with disease.